The following is an entry in ClinVar:

ClinVar aggregate classification (germline): Uncertain significance (1 of 4 stars; one submission).

Allele frequency attached by ClinVar (database versions not stated): gnomAD exomes 0.00001.

Submission:

GeneDx
Classification: Uncertain significance. Last evaluated: 2025-01-12. Review status: criteria provided, single submitter. Criteria: GeneDx Variant Classification Process June 2021. Collection method: clinical testing. Allele origin: germline. Affected: yes.
Comment: Has not been previously published as pathogenic or benign to our knowledge; Not observed at significant frequency in large population cohorts (gnomAD); In silico analysis indicates that this missense variant does not alter protein structure/function

NM_001365276.2(TNXB):c.3282C>G (p.Ile1094Met)

Gene: TNXB (tenascin XB; minus strand). Cytogenetic location: 6p21.33.
Variant type: single nucleotide variant.
Coding change: c.3282C>G on transcript NM_001365276.2 (MANE Select); coding-DNA position 3282, C replaced by G.
Protein change: p.Ile1094Met; replaces isoleucine 1094 with methionine.
Molecular consequence: missense variant.
Genome position (GRCh38, 1-based): chr6:32,084,576, G>C on the plus strand (C>G on the coding strand, the complement: TNXB is on the minus strand). VCF-style: chr6-32084576-G-C. GRCh37 (hg19) VCF-style: chr6-32052353-G-C.
Other names: c.3282C>G, p.Ile1094Met (NM_019105.8); short protein forms I1094M.
Identifiers: ClinVar variation 1306002 (VCV001306002.3), dbSNP rs2127261950, ClinGen allele CA363442912.